The following is an entry in ClinVar:

ClinVar aggregate classification (germline): Uncertain significance. Review status: criteria provided, multiple submitters, no conflicts (2 of 4 stars). 5 submissions from 5 submitters: Uncertain significance (3). 2 of the submissions do not count toward it. Last evaluated 2023-11-20.

Conditions:
CEP290-related disorder. Also called: CEP290-related condition; CEP290-related disorders. Identifiers: MedGen CN239314.
Leber congenital amaurosis (LCA). Also called: Leber's amaurosis. Identifiers: Orphanet 65, MedGen C0339527, MeSH D057130, MONDO:0018998.
Meckel-Gruber syndrome. Also called: DYSENCEPHALIA SPLANCHNOCYSTICA; GRUBER SYNDROME; Dysencephalia splachnocystica. Identifiers: Orphanet 564, MedGen C0265215, MONDO:0018921.
Joubert syndrome. Also called: Familial aplasia of the vermis; JOUBERT-BOLTSHAUSER SYNDROME. Identifiers: Orphanet 475, MedGen C5979921, MONDO:0018772.
Nephronophthisis. Also called: Juvenile Nephronophthisis. Identifiers: Orphanet 655, MedGen C0687120, MONDO:0019005, HP:0000090.

Allele frequency attached by ClinVar (database versions not stated): gnomAD exomes below 0.00001 and 0.00001; gnomAD 0.00001; ExAC 0.00002.
gnomAD v4.1: 3 of 1,609,668 alleles (0.00019%); highest among the groups gnomAD compares: Non-Finnish European, 0.00025%; no homozygotes.

Submissions (5):

Labcorp Genetics (formerly Invitae), Labcorp
Classification: Uncertain significance for Joubert syndrome; Meckel-Gruber syndrome; Nephronophthisis. Last evaluated: 2023-11-20. Review status: criteria provided, single submitter. Criteria: Invitae Variant Classification Sherloc (09022015). Collection method: clinical testing. Allele origin: germline.
Comment: This sequence change replaces serine, which is neutral and polar, with glycine, which is neutral and non-polar, at codon 2458 of the CEP290 protein (p.Ser2458Gly). This variant is present in population databases (rs762238709, gnomAD 0.004%). This variant has not been reported in the literature in individuals affected with CEP290-related conditions. ClinVar contains an entry for this variant (Variation ID: 968286). An algorithm developed to predict the effect of missense changes on protein structure and function (PolyPhen-2) suggests that this variant¬†is likely to be tolerated. In summary, the available evidence is currently insufficient to determine the role of this variant in disease. Therefore, it has been classified as a Variant of Uncertain Significance.

Blueprint Genetics
Classification: Uncertain significance. Last evaluated: 2022-05-10. Review status: criteria provided, single submitter. Criteria: ACMG Guidelines, 2015. Collection method: clinical testing. Allele origin: germline.

Revvity Omics, Revvity
Classification: Uncertain significance. Last evaluated: 2019-03-19. Review status: criteria provided, single submitter. Criteria: ACMG Guidelines, 2015. Collection method: clinical testing. Allele origin: germline.

PreventionGenetics, part of Exact Sciences
Classification: Uncertain significance for CEP290-related condition. Last evaluated: 2024-09-06. Review status: no assertion criteria provided. Collection method: clinical testing. Allele origin: germline. Not counted in ClinVar's aggregate classification.
Comment: The CEP290 c.7372A>G variant is predicted to result in the amino acid substitution p.Ser2458Gly. To our knowledge, this variant has not been reported in the literature. This variant is reported in 0.0032% of alleles in individuals of European (Non-Finnish) descent in gnomAD. At this time, the clinical significance of this variant is uncertain due to the absence of conclusive functional and genetic evidence.

Natera, Inc.
Classification: Uncertain significance for Leber congenital amaurosis. Last evaluated: 2020-11-04. Review status: no assertion criteria provided. Collection method: clinical testing. Allele origin: germline. Not counted in ClinVar's aggregate classification.

NM_025114.4(CEP290):c.7372A>G (p.Ser2458Gly)

Genes: CEP290 (centrosomal protein 290; minus strand), RLIG1 (RNA 5'-phosphate and 3'-OH ligase 1; plus strand). Cytogenetic location: 12q21.32.
Variant type: single nucleotide variant.
Coding change: c.7372A>G on transcript NM_025114.4 (MANE Select); coding-DNA position 7372, A replaced by G.
Protein change: p.Ser2458Gly; replaces serine 2458 with glycine.
Molecular consequence: missense variant. On other transcripts: 3 prime UTR variant (1).
Genome position (GRCh38, 1-based): chr12:88,049,252, T>C on the plus strand (A>G on the coding strand, the complement: CEP290 is on the minus strand). VCF-style: chr12-88049252-T-C. GRCh37 (hg19) VCF-style: chr12-88443029-T-C.
Other names: c.*830T>C (NM_001009894.3); short protein forms S2458G.
Identifiers: ClinVar variation 968286 (VCV000968286.14), dbSNP rs762238709, ClinGen allele CA6711280.
Genomic context (GRCh38, chr12:88,049,252, plus strand): 5'-TGGGGAAATTAACAGGACTTTCTTCTTCATCTTCAAACTCTTCAGAAGCAGCAACAGGGC[T>C]AGTTAATTCAACTCCCAATTGTTCTGAAAGTTTTTTTACCTTCTCTTCTAAGAGAATATT-3'
Protein context (NP_079390.3, residues 2448-2468): LSEQLGVELT[Ser2458Gly]PVAASEEFED